The following is an entry in ClinVar:

ClinVar aggregate classification (germline): Conflicting classifications of pathogenicity. Review status: criteria provided, conflicting classifications (1 of 4 stars). 3 submissions from 3 submitters: Uncertain significance (2); Likely benign (1). Last evaluated 2025-04-04.

Conditions:
Hereditary cancer-predisposing syndrome. Also called: Tumor predisposition; Hereditary neoplastic syndrome; Hereditary Cancer Syndrome; Neoplastic Syndromes, Hereditary. Identifiers: Orphanet 140162, MedGen C0027672, MeSH D009386, MONDO:0015356.
Hereditary breast ovarian cancer syndrome. Also called: BRCA1- and BRCA2-Associated Hereditary Breast and Ovarian Cancer; Hereditary breast and/or ovarian cancer syndrome; Hereditary breast and ovarian cancer syndrome; Hereditary breast and ovarian cancer; Breast and ovarian cancer; Hereditary breast and ovarian cancer syndrome (HBOC). Identifiers: Orphanet 145, MedGen C0677776, MeSH D061325, MONDO:0003582. Disease mechanism: loss of function.

Submissions (3):

Labcorp Genetics (formerly Invitae), Labcorp
Classification: Uncertain significance for Hereditary breast ovarian cancer syndrome. Last evaluated: 2025-04-04. Review status: criteria provided, single submitter. Criteria: Invitae Variant Classification Sherloc (09022015). Collection method: clinical testing. Allele origin: germline.
Comment: This sequence change replaces glutamic acid, which is acidic and polar, with leucine, which is neutral and non-polar, at codon 2139 of the BRCA2 protein (p.Glu2139Leu). Information on the frequency of this variant in the gnomAD database is not available, as this variant may be reported differently in the database. This variant has not been reported in the literature in individuals affected with BRCA2-related conditions. ClinVar contains an entry for this variant (Variation ID: 937767). An algorithm developed to predict the effect of missense changes on protein structure and function (PolyPhen-2) suggests that this variant is likely to be disruptive. In summary, the available evidence is currently insufficient to determine the role of this variant in disease. Therefore, it has been classified as a Variant of Uncertain Significance.

Ambry Genetics
Classification: Uncertain significance for Hereditary cancer-predisposing syndrome. Last evaluated: 2024-02-05. Review status: criteria provided, single submitter. Criteria: Ambry Variant Classification Scheme 2023. Collection method: clinical testing. Allele origin: germline.
Comment: The c.6415_6416delGAinsTT variant (also known as p.E2139L), located in coding exon 10 of the BRCA2 gene, results from an in-frame deletion of GA and insertion of TT at nucleotide positions 6415 to 6416. This results in the substitution of the glutamic acid residue for a leucine residue at codon 2139, an amino acid with dissimilar properties. This variant was reported in 0/60,466 breast cancer cases and in 1/53,461 controls (Dorling et al. N Engl J Med 2021 02;384:428-439). This amino acid position is not well conserved in available vertebrate species. In addition, this alteration is predicted to be neutral by in silico analysis (Choi Y et al. PLoS ONE. 2012; 7(10):e46688). Based on the available evidence, the clinical significance of this alteration remains unclear.

University of Washington Department of Laboratory Medicine, University of Washington
Classification: Likely benign for Hereditary cancer-predisposing syndrome. Last evaluated: 2023-03-23. Review status: criteria provided, single submitter. Criteria: Dines et al. (Genet Med. 2020). Collection method: curation. Allele origin: germline.
Comment: Missense variant in a coldspot region where missense variants are very unlikely to be pathogenic (PMID:31911673).

BRCA2 exon 11 coldspot. Reclassification based on statistical prior probability.

Literature cited by the submitters: PubMed 33471991 (cited by Ambry Genetics).

NM_000059.4(BRCA2):c.6415_6416delinsTT (p.Glu2139Leu)

Gene: BRCA2 (BRCA2 DNA repair associated; plus strand). Cytogenetic location: 13q13.1.
Variant type: Indel.
Coding change: c.6415_6416delinsTT on transcript NM_000059.4 (MANE Select); coding-DNA positions 6415 to 6416, GA replaced by TT.
Protein change: p.Glu2139Leu; replaces glutamic acid 2139 with leucine.
Molecular consequence: missense variant.
Genome position (GRCh38, 1-based): chr13:32,340,770-32,340,771, GA replaced by TT. VCF-style: chr13-32340770-GA-TT. GRCh37 (hg19) VCF-style: chr13-32914907-GA-TT.
Other names: c.6415_6416delGAinsTT (NM_000059.3); short protein forms E2139L.
Identifiers: ClinVar variation 937767 (VCV000937767.12), dbSNP rs1064795067, ClinGen allele CA1139663235.